The following is an entry in ClinVar:

ClinVar aggregate classification (germline): Likely benign (0 of 4 stars; one submission).

Conditions:
RAMP2-related disorder. Also called: RAMP2-related condition.

Allele frequency attached by ClinVar (database versions not stated): gnomAD exomes 0.00002; 1000 Genomes Project 0.00020; gnomAD 0.00029; 1000 Genomes Project 30x 0.00047; TOPMed 0.00054.

Submission:

PreventionGenetics, part of Exact Sciences
Classification: Likely benign for RAMP2-related condition. Last evaluated: 2021-01-04. Review status: no assertion criteria provided. Collection method: clinical testing. Allele origin: germline.
Comment: This variant is classified as likely benign based on ACMG/AMP sequence variant interpretation guidelines (Richards et al. 2015 PMID: 25741868, with internal and published modifications).

NM_005854.3(RAMP2):c.97+8C>T

Genes: RAMP2 (receptor activity modifying protein 2; plus strand), LOC130060924 (ATAC-STARR-seq lymphoblastoid silent region 8547; plus strand). Cytogenetic location: 17q21.2.
Variant type: single nucleotide variant.
Coding change: c.97+8C>T on transcript NM_005854.3 (MANE Select); 8 bases into the intron after coding-DNA position 97, C replaced by T.
Molecular consequence: intron variant.
Genome position (GRCh38, 1-based): chr17:42,761,366, C>T. VCF-style: chr17-42761366-C-T. GRCh37 (hg19) VCF-style: chr17-40913384-C-T.
Identifiers: ClinVar variation 3032432 (VCV003032432.2), dbSNP rs568718402, ClinGen allele CA290770978.
Genomic context (GRCh38, chr17:42,761,366, plus strand): 5'-TAGGACCCGAGTCGGGCGGCCGGCAGCGCTCCGCCTCCTCCTCCTGCTGGGCGGTGAGCG[C>T]GGCGCCCCGAGGCCCGGGCGGGAGGCGCGAGAGGCCCCGGAGGGGAGAGGGGAGAGGGGA-3'